The following is an entry in ClinVar:

NM_001384140.1(PCDH15):c.2932A>G (p.Ile978Val)

Gene: PCDH15 (protocadherin related 15; minus strand). Cytogenetic location: 10q21.1.
Variant type: single nucleotide variant.
Coding change: c.2932A>G on transcript NM_001384140.1 (MANE Select); coding-DNA position 2932, A replaced by G.
Protein change: p.Ile978Val; replaces isoleucine 978 with valine.
Molecular consequence: missense variant.
Genome position (GRCh38, 1-based): chr10:53,961,829, T>C on the plus strand (A>G on the coding strand, the complement: PCDH15 is on the minus strand). VCF-style: chr10-53961829-T-C. GRCh37 (hg19) VCF-style: chr10-55721589-T-C.
Other names: c.2947A>G, p.Ile983Val (NM_001142763.2, NM_001142771.2); c.2932A>G, p.Ile978Val (NM_001142764.2, NM_001142766.2, NM_001142770.3 and 4 more transcripts); c.2719A>G, p.Ile907Val (NM_001142765.2); c.2821A>G, p.Ile941Val (NM_001142767.2); c.2866A>G, p.Ile956Val (NM_001142768.2, NM_001142773.2, NM_001354404.2); c.2968A>G, p.Ile990Val (NM_001142769.4); c.2953A>G, p.Ile985Val (NM_001354411.2); short protein forms I956V, I978V, I983V, I990V, I907V, I941V, I985V.
Identifiers: ClinVar variation 1524818 (VCV001524818.7), dbSNP rs755894176, ClinGen allele CA5505871.

ClinVar aggregate classification (germline): Uncertain significance. Review status: criteria provided, multiple submitters, no conflicts (2 of 4 stars). 3 submissions from 3 submitters: Uncertain significance (3). Last evaluated 2025-01-27.

Conditions:
Inborn genetic diseases. Identifiers: MedGen C0950123, MeSH D030342.

Allele frequency attached by ClinVar (database versions not stated): ExAC 0.00001; gnomAD 0.00001; gnomAD exomes 0.00001; TOPMed 0.00001.
gnomAD v4.1: 12 of 1,611,416 alleles (0.00074%); highest among the groups gnomAD compares: Non-Finnish European, 0.00093%; no homozygotes.

Submissions (3):

Ambry Genetics
Classification: Uncertain significance for Inborn genetic diseases. Last evaluated: 2025-01-27. Review status: criteria provided, single submitter. Criteria: Ambry Variant Classification Scheme 2023. Collection method: clinical testing. Allele origin: germline.

Labcorp Genetics (formerly Invitae), Labcorp
Classification: Uncertain significance. Last evaluated: 2022-08-21. Review status: criteria provided, single submitter. Criteria: Invitae Variant Classification Sherloc (09022015). Collection method: clinical testing. Allele origin: germline.
Comment: This sequence change replaces isoleucine, which is neutral and non-polar, with valine, which is neutral and non-polar, at codon 978 of the PCDH15 protein (p.Ile978Val). This variant is present in population databases (rs755894176, gnomAD 0.002%). This variant has not been reported in the literature in individuals affected with PCDH15-related conditions. ClinVar contains an entry for this variant (Variation ID: 1524818). Algorithms developed to predict the effect of missense changes on protein structure and function are either unavailable or do not agree on the potential impact of this missense change (SIFT: "Tolerated"; PolyPhen-2: "Probably Damaging"; Align-GVGD: "Class C0"). In summary, the available evidence is currently insufficient to determine the role of this variant in disease. Therefore, it has been classified as a Variant of Uncertain Significance.

Blueprint Genetics
Classification: Uncertain significance. Last evaluated: 2021-05-04. Review status: criteria provided, single submitter. Criteria: ACMG Guidelines, 2015. Collection method: clinical testing. Allele origin: germline.